The following is an entry in ClinVar:

NM_144687.4(NLRP12):c.2282A>G (p.Asp761Gly)

Gene: NLRP12 (NLR family pyrin domain containing 12; minus strand). Cytogenetic location: 19q13.42.
Variant type: single nucleotide variant.
Coding change: c.2282A>G on transcript NM_144687.4 (MANE Select); coding-DNA position 2282, A replaced by G.
Protein change: p.Asp761Gly; replaces aspartic acid 761 with glycine.
Molecular consequence: missense variant.
Genome position (GRCh38, 1-based): chr19:53,805,412, T>C on the plus strand (A>G on the coding strand, the complement: NLRP12 is on the minus strand). VCF-style: chr19-53805412-T-C. GRCh37 (hg19) VCF-style: chr19-54308666-T-C.
Other names: c.2282A>G (NM_144687.2); c.2285A>G, p.Asp762Gly (NM_001277126.2); c.2282A>G, p.Asp761Gly (NM_001277129.1); short protein forms D761G, D762G.
Identifiers: ClinVar variation 1477659 (VCV001477659.9), dbSNP rs762644457, ClinGen allele CA9639128.

ClinVar aggregate classification (germline): Uncertain significance. Review status: criteria provided, multiple submitters, no conflicts (2 of 4 stars). 2 submissions from 2 submitters: Uncertain significance (2). Last evaluated 2025-11-03.

Conditions:
Inborn genetic diseases. Identifiers: MedGen C0950123, MeSH D030342.
Familial cold autoinflammatory syndrome 2 (FCAS2). Identifiers: Orphanet 247868, MedGen C2673198, MONDO:0012724, OMIM 611762.

Allele frequency attached by ClinVar (database versions not stated): gnomAD exomes 0.00001; ExAC 0.00002; TOPMed 0.00002.
gnomAD v4.1: 10 of 1,613,818 alleles (0.00062%); highest among the groups gnomAD compares: East Asian, 0.0089%; no homozygotes.

Submissions (2):

Ambry Genetics
Classification: Uncertain significance for Inborn genetic diseases. Last evaluated: 2025-11-03. Review status: criteria provided, single submitter. Criteria: Ambry Variant Classification Scheme 2023. Collection method: clinical testing. Allele origin: germline.

Labcorp Genetics (formerly Invitae), Labcorp
Classification: Uncertain significance for Familial cold autoinflammatory syndrome 2. Last evaluated: 2021-02-03. Review status: criteria provided, single submitter. Criteria: Invitae Variant Classification Sherloc (09022015). Collection method: clinical testing. Allele origin: germline.
Comment: This sequence change replaces aspartic acid with glycine at codon 761 of the NLRP12 protein (p.Asp761Gly). The aspartic acid residue is moderately conserved and there is a moderate physicochemical difference between aspartic acid and glycine. This variant is present in population databases (rs762644457, ExAC 0.01%). This variant has not been reported in the literature in individuals with NLRP12-related conditions. Algorithms developed to predict the effect of missense changes on protein structure and function are either unavailable or do not agree on the potential impact of this missense change (SIFT: "Deleterious"; PolyPhen-2: "Possibly Damaging"; Align-GVGD: "Class C0"). In summary, the available evidence is currently insufficient to determine the role of this variant in disease. Therefore, it has been classified as a Variant of Uncertain Significance.